The following is an entry in ClinVar:

ClinVar aggregate classification (germline): Uncertain significance (1 of 4 stars; one submission).

Submission:

GeneDx
Classification: Uncertain significance. Last evaluated: 2022-05-06. Review status: criteria provided, single submitter. Criteria: GeneDx Variant Classification Process June 2021. Collection method: clinical testing. Allele origin: germline. Affected: yes.
Comment: Not observed at significant frequency in large population cohorts (gnomAD); In silico analysis supports that this missense variant has a deleterious effect on protein structure/function; Has not been previously published as pathogenic or benign to our knowledge

NM_001365276.2(TNXB):c.12544T>A (p.Cys4182Ser)

Genes: TNXB (tenascin XB; minus strand), LOC106780803 (tenascin XB recombination region; plus strand). Cytogenetic location: 6p21.33.
Variant type: single nucleotide variant.
Coding change: c.12544T>A on transcript NM_001365276.2 (MANE Select); coding-DNA position 12544, T replaced by A.
Protein change: p.Cys4182Ser; replaces cysteine 4182 with serine.
Molecular consequence: missense variant.
Genome position (GRCh38, 1-based): chr6:32,041,860, A>T on the plus strand (T>A on the coding strand, the complement: TNXB is on the minus strand). VCF-style: chr6-32041860-A-T. GRCh37 (hg19) VCF-style: chr6-32009637-A-T.
Other names: c.12538T>A, p.Cys4180Ser (NM_019105.8); c.1831T>A, p.Cys611Ser (NM_032470.4); short protein forms C4180S, C4182S, C611S.
Identifiers: ClinVar variation 1722769 (VCV001722769.2), dbSNP rs2483351990, ClinGen allele CA363514062.